The following is an entry in ClinVar:

NM_133497.4(KCNV2):c.849G>T (p.Glu283Asp)

Gene: KCNV2 (potassium voltage-gated channel modifier subfamily V member 2; plus strand). Cytogenetic location: 9p24.2.
Variant type: single nucleotide variant.
Coding change: c.849G>T on transcript NM_133497.4 (MANE Select); coding-DNA position 849, G replaced by T.
Protein change: p.Glu283Asp; replaces glutamic acid 283 with aspartic acid.
Molecular consequence: missense variant.
Genome position (GRCh38, 1-based): chr9:2,718,588, G>T. VCF-style: chr9-2718588-G-T. GRCh37 (hg19) VCF-style: chr9-2718588-G-T.
Other names: short protein forms E283D.
Identifiers: ClinVar variation 1420799 (VCV001420799.8), dbSNP rs17656693, ClinGen allele CA372799658.

ClinVar aggregate classification (germline): Uncertain significance (1 of 4 stars; one submission).

gnomAD v4.1: 2 of 1,612,976 alleles (0.00012%); highest among the groups gnomAD compares: African/African-American, 0.0013%; no homozygotes.

Submission:

Labcorp Genetics (formerly Invitae), Labcorp
Classification: Uncertain significance. Last evaluated: 2022-07-11. Review status: criteria provided, single submitter. Criteria: Invitae Variant Classification Sherloc (09022015). Collection method: clinical testing. Allele origin: germline.
Comment: In summary, the available evidence is currently insufficient to determine the role of this variant in disease. Therefore, it has been classified as a Variant of Uncertain Significance. Advanced modeling of protein sequence and biophysical properties (such as structural, functional, and spatial information, amino acid conservation, physicochemical variation, residue mobility, and thermodynamic stability) performed at Invitae indicates that this missense variant is not expected to disrupt KCNV2 protein function. ClinVar contains an entry for this variant (Variation ID: 1420799). This variant has not been reported in the literature in individuals affected with KCNV2-related conditions. This variant is not present in population databases (gnomAD no frequency). This sequence change replaces glutamic acid, which is acidic and polar, with aspartic acid, which is acidic and polar, at codon 283 of the KCNV2 protein (p.Glu283Asp).